The following is an entry in ClinVar:

ClinVar aggregate classification (germline): Uncertain significance. Review status: criteria provided, multiple submitters, no conflicts (2 of 4 stars). 2 submissions from 2 submitters: Uncertain significance (2). Last evaluated 2026-02-26.

Conditions:
Inborn genetic diseases. Identifiers: MedGen C0950123, MeSH D030342.

Allele frequency attached by ClinVar (database versions not stated): gnomAD exomes below 0.00001; TOPMed below 0.00001; gnomAD 0.00001.
gnomAD v4.1: 3 of 1,597,372 alleles (0.00019%); highest among the groups gnomAD compares: Non-Finnish European, 0.00017%; no homozygotes.

Submissions (2):

Ambry Genetics
Classification: Uncertain significance for Inborn genetic diseases. Last evaluated: 2026-02-26. Review status: criteria provided, single submitter. Criteria: Ambry Variant Classification Scheme 2023. Collection method: clinical testing. Allele origin: germline.

Labcorp Genetics (formerly Invitae), Labcorp
Classification: Uncertain significance. Last evaluated: 2025-02-24. Review status: criteria provided, single submitter. Criteria: Invitae Variant Classification Sherloc (09022015). Collection method: clinical testing. Allele origin: germline.
Comment: This sequence change replaces glutamic acid, which is acidic and polar, with glutamine, which is neutral and polar, at codon 99 of the FAR1 protein (p.Glu99Gln). This variant is not present in population databases (gnomAD no frequency). This variant has not been reported in the literature in individuals affected with FAR1-related conditions. ClinVar contains an entry for this variant (Variation ID: 2120555). Invitae Evidence Modeling of protein sequence and biophysical properties (such as structural, functional, and spatial information, amino acid conservation, physicochemical variation, residue mobility, and thermodynamic stability) indicates that this missense variant is not expected to disrupt FAR1 protein function with a negative predictive value of 80%. In summary, the available evidence is currently insufficient to determine the role of this variant in disease. Therefore, it has been classified as a Variant of Uncertain Significance.

NM_032228.6(FAR1):c.295G>C (p.Glu99Gln)

Gene: FAR1 (fatty acyl-CoA reductase 1; plus strand). Cytogenetic location: 11p15.3.
Variant type: single nucleotide variant.
Coding change: c.295G>C on transcript NM_032228.6 (MANE Select); coding-DNA position 295, G replaced by C.
Protein change: p.Glu99Gln; replaces glutamic acid 99 with glutamine.
Molecular consequence: missense variant.
Genome position (GRCh38, 1-based): chr11:13,700,422, G>C. VCF-style: chr11-13700422-G-C. GRCh37 (hg19) VCF-style: chr11-13721969-G-C.
Other names: c.295G>C (NM_032228.5); short protein forms E99Q.
Identifiers: ClinVar variation 2120555 (VCV002120555.5), dbSNP rs1437040829, ClinGen allele CA379856664.